The following is an entry in ClinVar:

NM_001126108.2(SLC12A3):c.466dup (p.Tyr156fs)

Gene: SLC12A3 (solute carrier family 12 member 3; plus strand). Cytogenetic location: 16q13.
Variant type: Duplication.
Coding change: c.466dup on transcript NM_001126108.2 (MANE Select); coding-DNA position 466, one base duplicated (T; older notation c.466dupT).
Protein change: p.Tyr156fs; shifts the reading frame from tyrosine 156.
Molecular consequence: frameshift variant.
Genome position (GRCh38, 1-based): chr16:56,868,333, T duplicated. VCF-style (leftmost placement, unchanged base first): chr16-56868332-C-CT. GRCh37 (hg19) VCF-style: chr16-56902244-C-CT.
Other names: c.466dup, p.Tyr156fs (NM_000339.3); c.463dup, p.Tyr155fs (NM_001126107.2); c.463dup, p.Tyr155Leufs (NM_001410896.1); short protein forms Y156fs, Y155fs.
Identifiers: ClinVar variation 2134392 (VCV002134392.4), dbSNP rs2543475889, ClinGen allele CA2580091674.

ClinVar aggregate classification (germline): Pathogenic (1 of 4 stars; one submission).

Submission:

Labcorp Genetics (formerly Invitae), Labcorp
Classification: Pathogenic. Last evaluated: 2022-05-05. Review status: criteria provided, single submitter. Criteria: Invitae Variant Classification Sherloc (09022015). Collection method: clinical testing. Allele origin: germline.
Comment: For these reasons, this variant has been classified as Pathogenic. This variant has not been reported in the literature in individuals affected with SLC12A3-related conditions. This variant is not present in population databases (gnomAD no frequency). This sequence change creates a premature translational stop signal (p.Tyr156Leufs*103) in the SLC12A3 gene. It is expected to result in an absent or disrupted protein product. Loss-of-function variants in SLC12A3 are known to be pathogenic (PMID: 20848653, 22009145, 25841442).

Literature cited by the submitters: PubMed 20848653; PubMed 22009145; PubMed 25841442.